The following is an entry in ClinVar:

NM_000138.5(FBN1):c.6778G>A (p.Glu2260Lys)

Gene: FBN1 (fibrillin 1; minus strand). Cytogenetic location: 15q21.1.
Variant type: single nucleotide variant.
Coding change: c.6778G>A on transcript NM_000138.5 (MANE Select); coding-DNA position 6778, G replaced by A.
Protein change: p.Glu2260Lys; replaces glutamic acid 2260 with lysine.
Molecular consequence: missense variant.
Genome position (GRCh38, 1-based): chr15:48,430,764, C>T on the plus strand (G>A on the coding strand, the complement: FBN1 is on the minus strand). VCF-style: chr15-48430764-C-T. GRCh37 (hg19) VCF-style: chr15-48722961-C-T.
Other names: c.6778G>A, p.Glu2260Lys (NM_001406716.1); short protein forms E2260K.
Identifiers: ClinVar variation 1709063 (VCV001709063.7), dbSNP rs779702738, ClinGen allele CA057401.

ClinVar aggregate classification (germline): Conflicting classifications of pathogenicity. Review status: criteria provided, conflicting classifications (1 of 4 stars). 4 submissions from 4 submitters: Uncertain significance (3); Likely benign (1). Last evaluated 2025-12-24.

Conditions:
Marfan syndrome (MFS). Also called: Marfan's syndrome; Marfan syndrome, classic; MARFAN SYNDROME, TYPE I; Marfan syndrome type 1; FBN1-Related Marfan Syndrome. Identifiers: Orphanet 284963, Orphanet 558, MedGen C0024796, MONDO:0007947, OMIM 154700.
Familial thoracic aortic aneurysm and aortic dissection (TAAD). Also called: Thoracic aortic aneurysms and dissections. Identifiers: Orphanet 91387, MedGen C4707243, MONDO:0019625.

Allele frequency attached by ClinVar (database versions not stated): ExAC 0.00001; gnomAD exomes 0.00001; TOPMed 0.00001; gnomAD 0.00001.
gnomAD v4.1: 5 of 1,613,730 alleles (0.00031%); highest among the groups gnomAD compares: Admixed American, 0.0033%; no homozygotes.

Submissions (4):

Labcorp Genetics (formerly Invitae), Labcorp
Classification: Likely benign for Marfan syndrome; Familial thoracic aortic aneurysm and aortic dissection. Last evaluated: 2025-12-24. Review status: criteria provided, single submitter. Criteria: Invitae Variant Classification Sherloc (09022015). Collection method: clinical testing. Allele origin: germline.

Color Diagnostics, LLC DBA Color Health
Classification: Uncertain significance for Familial thoracic aortic aneurysm and aortic dissection. Last evaluated: 2025-11-18. Review status: criteria provided, single submitter. Criteria: ACMG Guidelines, 2015. Collection method: clinical testing. Allele origin: germline.
Comment: This missense variant replaces glutamic acid with lysine at codon 2260 of the FBN1 protein. Computational prediction suggests that this variant may not impact protein structure and function. To our knowledge, functional studies have not been reported for this variant. This variant has not been reported in individuals affected with FBN1-related disorders in the literature. This variant has been identified in 5/1613730 chromosomes in the general population by the Genome Aggregation Database (gnomAD). The available evidence is insufficient to determine the role of this variant in disease conclusively. Therefore, this variant is classified as a Variant of Uncertain Significance.

Dasa
Classification: Uncertain significance. Last evaluated: 2025-08-27. Review status: criteria provided, single submitter. Criteria: DASA Assertion Criteria. Collection method: clinical testing. Allele origin: germline.
Comment: NM_000138.5(FBN1):c.6778G>A (p.Glu2260Lys) is a missense variant that results in the substitution of glutamic acid with lysine. This variant is rare in population databases. The currently available literature and clinical evidence are not sufficient to establish a definitive association between this variant and the reported condition. Therefore, this variant is classified as a variant of uncertain significance.

MGZ Medical Genetics Center
Classification: Uncertain significance for Marfan syndrome. Last evaluated: 2022-03-04. Review status: criteria provided, single submitter. Criteria: ACMG Guidelines, 2015. Collection method: clinical testing. Allele origin: germline. Affected: yes. Observed: 1 variant allele.
Comment: ACMG criteria applied: PM1, PM2_SUP, PP2